The following is an entry in ClinVar:

NM_005560.6(LAMA5):c.2482+4A>C

Gene: LAMA5 (laminin subunit alpha 5; minus strand). Cytogenetic location: 20q13.33.
Variant type: single nucleotide variant.
Coding change: c.2482+4A>C on transcript NM_005560.6 (MANE Select); 4 bases into the intron after coding-DNA position 2482, A replaced by C.
Molecular consequence: intron variant.
Genome position (GRCh38, 1-based): chr20:62,335,017, T>G on the plus strand (A>C on the coding strand, the complement: LAMA5 is on the minus strand). VCF-style: chr20-62335017-T-G. GRCh37 (hg19) VCF-style: chr20-60910073-T-G.
Identifiers: ClinVar variation 2787296 (VCV002787296.3), dbSNP rs750405415, ClinGen allele CA9943431.

ClinVar aggregate classification (germline): Uncertain significance (1 of 4 stars; one submission).

Allele frequency attached by ClinVar (database versions not stated): TOPMed below 0.00001; ExAC 0.00001.
gnomAD v4.1: 2 of 1,612,052 alleles (0.00012%); highest among the groups gnomAD compares: Admixed American, 0.0033%; no homozygotes.

Submission:

Labcorp Genetics (formerly Invitae), Labcorp
Classification: Uncertain significance. Last evaluated: 2023-05-04. Review status: criteria provided, single submitter. Criteria: Invitae Variant Classification Sherloc (09022015). Collection method: clinical testing. Allele origin: germline.
Comment: Variants that disrupt the consensus splice site are a relatively common cause of aberrant splicing (PMID: 17576681, 9536098). Algorithms developed to predict the effect of sequence changes on RNA splicing suggest that this variant may create or strengthen a splice site. In summary, the available evidence is currently insufficient to determine the role of this variant in disease. Therefore, it has been classified as a Variant of Uncertain Significance. This variant has not been reported in the literature in individuals affected with LAMA5-related conditions. This variant is present in population databases (rs750405415, gnomAD 0.003%). This sequence change falls in intron 20 of the LAMA5 gene. It does not directly change the encoded amino acid sequence of the LAMA5 protein. It affects a nucleotide within the consensus splice site.

Literature cited by the submitters: PubMed 17576681; PubMed 9536098.